The following is an entry in ClinVar:

ClinVar aggregate classification (germline): Benign/Likely benign. Review status: criteria provided, multiple submitters, no conflicts (2 of 4 stars). 12 submissions from 12 submitters: Benign (5); Likely benign (6). 1 of the submissions does not count toward it. Last evaluated 2026-04-01.

Conditions:
TSC2-related disorder. Also called: TSC2-related condition; TSC2-Related Disorders.
Tuberous sclerosis syndrome (TSC). Also called: Tuberous sclerosis; Tuberous Sclerosis Complex. Identifiers: Orphanet 805, MedGen C0041341, MONDO:0001734.
Tuberous sclerosis 2 (TSC2). Identifiers: Orphanet 805, MedGen C1860707, MONDO:0013199, OMIM 613254.
Hereditary cancer-predisposing syndrome. Also called: Tumor predisposition; Neoplastic Syndromes, Hereditary; Hereditary neoplastic syndrome; Hereditary Cancer Syndrome. Identifiers: Orphanet 140162, MedGen C0027672, MeSH D009386, MONDO:0015356.

Allele frequency attached by ClinVar (database versions not stated): gnomAD 0.00015 and 0.00016; TOPMed 0.00015; gnomAD exomes 0.00016; ExAC 0.00026.
gnomAD v4.1: 358 of 1,614,084 alleles (0.022%); highest among the groups gnomAD compares: Non-Finnish European, 0.029%; 1 homozygote.

Submissions (12):

CeGaT Center for Human Genetics Tuebingen
Classification: Likely benign. Last evaluated: 2026-04-01. Review status: criteria provided, single submitter. Criteria: CeGaT Center For Human Genetics Tuebingen Variant Classification Criteria Version 2. Collection method: clinical testing. Allele origin: germline. Affected: yes. Observed: 3 variant alleles.
Comment: TSC2: BP4, BP7

Labcorp Genetics (formerly Invitae), Labcorp
Classification: Benign for Tuberous sclerosis 2. Last evaluated: 2026-02-01. Review status: criteria provided, single submitter. Criteria: Invitae Variant Classification Sherloc (09022015). Collection method: clinical testing. Allele origin: germline.

Myriad Genetics, Inc.
Classification: Benign for Tuberous sclerosis 2. Last evaluated: 2025-05-07. Review status: criteria provided, single submitter. Criteria: Myriad Autosomal Dominant, Autosomal Recessive and X-Linked Classification Criteria (2023). Collection method: clinical testing. Allele origin: unknown.
Comment: This variant is considered benign. This variant is a silent/synonymous amino acid change and it is not expected to impact splicing.

All of Us Research Program, National Institutes of Health
Classification: Benign for Tuberous sclerosis syndrome. Last evaluated: 2024-01-11. Review status: criteria provided, single submitter. Criteria: ACMG Guidelines, 2015. Collection method: clinical testing. Allele origin: germline. Inheritance: Autosomal dominant inheritance. Observed: 46 variant alleles, 46 heterozygotes.
Comment: This study involves interpretation of variants in research participants for the purpose of population health screening. Participant phenotype was not available at the time of variant classification. Additional details can be found in publication PMID: 35346344, PMCID: PMC8962531

Color Diagnostics, LLC DBA Color Health
Classification: Benign for Tuberous sclerosis syndrome. Last evaluated: 2022-09-12. Review status: criteria provided, single submitter. Criteria: ACMG Guidelines, 2015. Collection method: clinical testing. Allele origin: germline.

Blueprint Genetics
Classification: Likely benign. Last evaluated: 2022-08-05. Review status: criteria provided, single submitter. Criteria: ACMG Guidelines, 2015. Collection method: clinical testing. Allele origin: germline.

Genome-Nilou Lab
Classification: Likely benign for Tuberous sclerosis 2. Last evaluated: 2021-11-07. Review status: criteria provided, single submitter. Criteria: ACMG Guidelines, 2015. Collection method: clinical testing. Allele origin: germline. Affected: no.

Sema4
Classification: Benign for Hereditary cancer-predisposing syndrome. Last evaluated: 2020-10-28. Review status: criteria provided, single submitter. Criteria: Sema4 Curation Guidelines. Collection method: curation. Allele origin: germline.

Illumina Laboratory Services, Illumina
Classification: Likely benign for Tuberous sclerosis syndrome. Last evaluated: 2018-01-12. Review status: criteria provided, single submitter. Criteria: ICSL Variant Classification Criteria 13 December 2019. Collection method: clinical testing. Allele origin: germline.
Comment: This variant was observed in the ICSL laboratory as part of a predisposition screen in an ostensibly healthy population. It had not been previously curated by ICSL or reported in the Human Gene Mutation Database (HGMD: prior to June 1st, 2018), and was therefore a candidate for classification through an automated scoring system. Utilizing variant allele frequency, disease prevalence and penetrance estimates, and inheritance mode, an automated score was calculated to assess if this variant is too frequent to cause the disease. Based on the score and internal cut-off values, a variant classified as likely benign is not then subjected to further curation. The score for this variant resulted in a classification of likely benign for this disease.

GeneDx
Classification: Likely benign. Last evaluated: 2017-08-25. Review status: criteria provided, single submitter. Criteria: GeneDx Variant Classification (06012015). Collection method: clinical testing. Allele origin: germline. Affected: yes.
Comment: This variant is considered likely benign or benign based on one or more of the following criteria: it is a conservative change, it occurs at a poorly conserved position in the protein, it is predicted to be benign by multiple in silico algorithms, and/or has population frequency not consistent with disease.

Ambry Genetics
Classification: Likely benign for Hereditary cancer-predisposing syndrome. Last evaluated: 2015-06-28. Review status: criteria provided, single submitter. Criteria: Ambry Variant Classification Scheme 2023. Collection method: clinical testing. Allele origin: germline.

PreventionGenetics, part of Exact Sciences
Classification: Likely benign for TSC2-related condition. Last evaluated: 2024-01-21. Review status: no assertion criteria provided. Collection method: clinical testing. Allele origin: germline. Not counted in ClinVar's aggregate classification.
Comment: This variant is classified as likely benign based on ACMG/AMP sequence variant interpretation guidelines (Richards et al. 2015 PMID: 25741868, with internal and published modifications).

NM_000548.5(TSC2):c.552C>T (p.Val184=)

Gene: TSC2 (TSC complex subunit 2; plus strand). Cytogenetic location: 16p13.3.
Variant type: single nucleotide variant.
Coding change: c.552C>T on transcript NM_000548.5 (MANE Select); coding-DNA position 552, C replaced by T.
Protein change: p.Val184=; no amino-acid change (valine 184 retained).
Molecular consequence: synonymous variant. On other transcripts: intron variant (1).
Genome position (GRCh38, 1-based): chr16:2,055,472, C>T. VCF-style: chr16-2055472-C-T. GRCh37 (hg19) VCF-style: chr16-2105473-C-T.
Other names: c.552C>T, p.Val184= (NM_001077183.3, NM_001114382.3, NM_001363528.2 and 3 more transcripts); c.441C>T, p.Val147= (NM_001318827.2); c.405C>T, p.Val135= (NM_001318829.2); c.585C>T, p.Val195= (NM_001318832.2); c.-1-724C>T (NM_001318831.2); c.552C>T (NM_000548.4).
Identifiers: ClinVar variation 318306 (VCV000318306.57), dbSNP rs199991910, ClinGen allele CA055387.